The following is an entry in ClinVar:

NM_000245.4(MET):c.1178A>G (p.Asn393Ser)

Gene: MET (MET proto-oncogene, receptor tyrosine kinase; plus strand). Cytogenetic location: 7q31.2.
Variant type: single nucleotide variant.
Coding change: c.1178A>G on transcript NM_000245.4 (MANE Select); coding-DNA position 1178, A replaced by G.
Protein change: p.Asn393Ser; replaces asparagine 393 with serine.
Molecular consequence: missense variant. On other transcripts: intron variant (1).
Genome position (GRCh38, 1-based): chr7:116,700,262, A>G. VCF-style: chr7-116700262-A-G. GRCh37 (hg19) VCF-style: chr7-116340316-A-G.
Other names: c.1178A>G, p.Asn393Ser (NM_001127500.3, NM_001324401.3); c.-91+27685A>G (NM_001324402.2); short protein forms N393S.
Identifiers: ClinVar variation 653707 (VCV000653707.13), dbSNP rs754635450, ClinGen allele CA4448081.

ClinVar aggregate classification (germline): Conflicting classifications of pathogenicity. Review status: criteria provided, conflicting classifications (1 of 4 stars). 2 submissions from 2 submitters: Uncertain significance (1); Likely benign (1). Last evaluated 2025-04-08.

Conditions:
Renal cell carcinoma. Identifiers: Orphanet 217071, MedGen C0007134, MeSH D002292, MONDO:0005086, HP:0005584.
Hereditary cancer-predisposing syndrome. Also called: Neoplastic Syndromes, Hereditary; Tumor predisposition; Hereditary Cancer Syndrome; Hereditary neoplastic syndrome. Identifiers: Orphanet 140162, MedGen C0027672, MeSH D009386, MONDO:0015356.

Allele frequency attached by ClinVar (database versions not stated): gnomAD exomes below 0.00001 and 0.00001; ExAC 0.00002.

Submissions (2):

Labcorp Genetics (formerly Invitae), Labcorp
Classification: Uncertain significance for Renal cell carcinoma. Last evaluated: 2025-04-08. Review status: criteria provided, single submitter. Criteria: Invitae Variant Classification Sherloc (09022015). Collection method: clinical testing. Allele origin: germline.
Comment: This sequence change replaces asparagine, which is neutral and polar, with serine, which is neutral and polar, at codon 393 of the MET protein (p.Asn393Ser). This variant is present in population databases (rs754635450, gnomAD 0.002%). This variant has not been reported in the literature in individuals affected with MET-related conditions. ClinVar contains an entry for this variant (Variation ID: 653707). Invitae Evidence Modeling of protein sequence and biophysical properties (such as structural, functional, and spatial information, amino acid conservation, physicochemical variation, residue mobility, and thermodynamic stability) indicates that this missense variant is not expected to disrupt MET protein function with a negative predictive value of 80%. In summary, the available evidence is currently insufficient to determine the role of this variant in disease. Therefore, it has been classified as a Variant of Uncertain Significance.

Ambry Genetics
Classification: Likely benign for Hereditary cancer-predisposing syndrome. Last evaluated: 2024-01-11. Review status: criteria provided, single submitter. Criteria: Ambry Variant Classification Scheme 2023. Collection method: clinical testing. Allele origin: germline.